The following is an entry in ClinVar:

ClinVar aggregate classification (germline): Uncertain significance (1 of 4 stars; one submission).

Conditions:
Sulfite oxidase deficiency due to molybdenum cofactor deficiency type A. Also called: Molybdenum cofactor deficiency, complementation group A; Molybdenum Cofactor Deficiency A. Identifiers: Orphanet 308386, Orphanet 833, MedGen C1854988, MONDO:0009643, OMIM 252150.

Submission:

Labcorp Genetics (formerly Invitae), Labcorp
Classification: Uncertain significance for Sulfite oxidase deficiency due to molybdenum cofactor deficiency type A. Last evaluated: 2025-06-12. Review status: criteria provided, single submitter. Criteria: Invitae Variant Classification Sherloc (09022015). Collection method: clinical testing. Allele origin: germline.
Comment: This sequence change replaces valine, which is neutral and non-polar, with alanine, which is neutral and non-polar, at codon 219 of the MOCS1 protein (p.Val219Ala). This variant is not present in population databases (gnomAD no frequency). This variant has not been reported in the literature in individuals affected with MOCS1-related conditions. ClinVar contains an entry for this variant (Variation ID: 2186996). An algorithm developed to predict the effect of missense changes on protein structure and function (PolyPhen-2) suggests that this variant is likely to be disruptive. In summary, the available evidence is currently insufficient to determine the role of this variant in disease. Therefore, it has been classified as a Variant of Uncertain Significance.

NM_001358530.2(MOCS1):c.656T>C (p.Val219Ala)

Gene: MOCS1 (molybdenum cofactor synthesis 1; minus strand). Cytogenetic location: 6p21.2.
Variant type: single nucleotide variant.
Coding change: c.656T>C on transcript NM_001358530.2 (MANE Select); coding-DNA position 656, T replaced by C.
Protein change: p.Val219Ala; replaces valine 219 with alanine.
Molecular consequence: missense variant. On other transcripts: non-coding transcript variant (1).
Genome position (GRCh38, 1-based): chr6:39,913,418, A>G on the plus strand (T>C on the coding strand, the complement: MOCS1 is on the minus strand). VCF-style: chr6-39913418-A-G. GRCh37 (hg19) VCF-style: chr6-39881162-A-G.
Other names: c.656T>C, p.Val219Ala (NM_001075098.4, NM_001358529.2, NM_005943.6); c.395T>C, p.Val132Ala (NM_001358531.2, NM_001358533.2, NM_001358534.2); short protein forms V132A, V219A.
Identifiers: ClinVar variation 2186996 (VCV002186996.4), dbSNP rs2482314622, ClinGen allele CA364044049.
Genomic context (GRCh38, chr6:39,913,418, plus strand): 5'-AGGCCCTCAGTCAAGGCCGCAAAGTCCAGGAGTTCATCCTCGTTAAGGCCTCGCATCACC[A>G]CACAGTTCACCTGGCCGGGGAACAATGGGACCATGAGGGCTGTGCCCCCTGCATTCTTTT-3'
Protein context (NP_001345459.1, residues 209-229): LGYNPVKVNC[Val219Ala]VMRGLNEDEL